The following is an entry in ClinVar:

Conditions:
Long QT syndrome 5 (LQT5). Identifiers: Orphanet 101016, Orphanet 768, MedGen C1867904, MONDO:0013372, OMIM 613695.

Submission:

Roden Lab, Vanderbilt University Medical Center
No classification provided (evidence only). Condition: Long QT syndrome 5. Review status: no classification provided. Collection method: in vitro. Allele origin: not applicable. Functional consequence: Effect on ion channel function.
ClinVar note: "not provided" was previously submitted as the classification for the variant. However, the classification appeared to be based only on an observation of functional data so it was converted to no classification on 2025-07-30.

NM_000219.6(KCNE1):c.331A>C (p.Asn111His)

Gene: KCNE1 (potassium voltage-gated channel subfamily E regulatory subunit 1; minus strand). Cytogenetic location: 21q22.12.
Variant type: single nucleotide variant.
Coding change: c.331A>C on transcript NM_000219.6 (MANE Select); coding-DNA position 331, A replaced by C.
Protein change: p.Asn111His; replaces asparagine 111 with histidine.
Molecular consequence: missense variant.
Genome position (GRCh38, 1-based): chr21:34,449,304, T>G on the plus strand (A>C on the coding strand, the complement: KCNE1 is on the minus strand). VCF-style: chr21-34449304-T-G. GRCh37 (hg19) VCF-style: chr21-35821602-T-G.
Other names: c.331A>C, p.Asn111His (NM_001127668.4, NM_001127669.4, NM_001127670.4 and 4 more transcripts); short protein forms N111H.
Identifiers: ClinVar variation 3374659 (VCV003374659.2).